The following is an entry in ClinVar:

NM_000169.3(GLA):c.1250T>C (p.Leu417Pro)

Genes: GLA (galactosidase alpha; minus strand), RPL36A-HNRNPH2 (RPL36A-HNRNPH2 readthrough; plus strand). Cytogenetic location: Xq22.1.
Variant type: single nucleotide variant.
Coding change: c.1250T>C on transcript NM_000169.3 (MANE Select); coding-DNA position 1250, T replaced by C.
Protein change: p.Leu417Pro; replaces leucine 417 with proline.
Molecular consequence: missense variant. On other transcripts: non-coding transcript variant (3), intron variant (2).
Genome position (GRCh38, 1-based): chrX:101,397,849, A>G on the plus strand (T>C on the coding strand, the complement: GLA is on the minus strand). VCF-style: chrX-101397849-A-G. GRCh37 (hg19) VCF-style: chrX-100652837-A-G.
Other names: c.1373T>C, p.Leu458Pro (NM_001406747.1); c.300+2392A>G (NM_001199973.2); c.177+6027A>G (NM_001199974.2); short protein forms L417P, L458P.
Identifiers: ClinVar variation 4087673 (VCV004087673.2), dbSNP rs869312248.

ClinVar aggregate classification (germline): Likely pathogenic (1 of 4 stars; one submission).

Conditions:
Fabry disease. Also called: ALPHA-GALACTOSIDASE A DEFICIENCY; ANDERSON-FABRY DISEASE; CERAMIDE TRIHEXOSIDASE DEFICIENCY; GLA DEFICIENCY; HEREDITARY DYSTOPIC LIPIDOSIS; Angiokeratoma corporis diffusum. Identifiers: Orphanet 324, MedGen C0002986, MONDO:0010526, OMIM 301500, HP:0001071. Disease mechanism: Fabry disease is due to inactivating mutations in the X-linked GLA gene resulting in deficiency of the enzyme Alpha Galactosidase-A., loss of function.

Submission:

Genomenon, Inc
Classification: Likely pathogenic for Fabry disease. Last evaluated: 2026-09-08. Review status: criteria provided, single submitter. Criteria: Genomenon Sequence Variant Interpretation Standards - Updated. Collection method: curation. Allele origin: germline. Affected: yes.
Comment: GLA p.Leu417Pro (c.1250T>C) is a missense variant that changes the amino acid at codon 417 from Leucine to Proline. This variant has been observed in at least one proband with clinical features consistent with Fabry disease (PMID:35971858;33072516). The presence of pathogenic/likely pathogenic missense variant(s) at the same amino acid position indicates that this residue is likely important for protein function. It is absent or not present at a significant frequency in gnomAD. In conclusion, we classify GLA p.Leu417Pro (c.1250T>C) as a likely pathogenic variant.

Literature cited by the submitters: PubMed 35971858; PubMed 33072516.